The following is an entry in ClinVar:

NM_001572.5(IRF7):c.776C>G (p.Ala259Gly)

Gene: IRF7 (interferon regulatory factor 7; minus strand). Cytogenetic location: 11p15.5.
Variant type: single nucleotide variant.
Coding change: c.776C>G on transcript NM_001572.5 (MANE Select); coding-DNA position 776, C replaced by G.
Protein change: p.Ala259Gly; replaces alanine 259 with glycine.
Molecular consequence: missense variant.
Genome position (GRCh38, 1-based): chr11:613,856, G>C on the plus strand (C>G on the coding strand, the complement: IRF7 is on the minus strand). VCF-style: chr11-613856-G-C. GRCh37 (hg19) VCF-style: chr11-613856-G-C.
Other names: c.689C>G, p.Ala230Gly (NM_004029.4); c.815C>G, p.Ala272Gly (NM_004031.4); c.815C>G (NM_004031.2); short protein forms A230G, A259G, A272G.
Identifiers: ClinVar variation 1504949 (VCV001504949.8), dbSNP rs760511367, ClinGen allele CA5783750.

ClinVar aggregate classification (germline): Uncertain significance. Review status: criteria provided, multiple submitters, no conflicts (2 of 4 stars). 2 submissions from 2 submitters: Uncertain significance (2). Last evaluated 2025-12-23.

Conditions:
Immunodeficiency 39 (IMD39). Identifiers: Orphanet 574918, MedGen C4225358, MONDO:0014597, OMIM 616345.

Allele frequency attached by ClinVar (database versions not stated): gnomAD exomes 0.00001; ExAC 0.00002; gnomAD 0.00003.
gnomAD v4.1: 32 of 1,598,096 alleles (0.002%); highest among the groups gnomAD compares: Non-Finnish European, 0.0026%; no homozygotes.

Submissions (2):

Labcorp Genetics (formerly Invitae), Labcorp
Classification: Uncertain significance for Immunodeficiency 39. Last evaluated: 2025-12-23. Review status: criteria provided, single submitter. Criteria: Invitae Variant Classification Sherloc (09022015). Collection method: clinical testing. Allele origin: germline.
Comment: This sequence change replaces alanine, which is neutral and non-polar, with glycine, which is neutral and non-polar, at codon 272 of the IRF7 protein (p.Ala272Gly). This variant is present in population databases (rs760511367, gnomAD 0.003%). This variant has not been reported in the literature in individuals affected with IRF7-related conditions. ClinVar contains an entry for this variant (Variation ID: 1504949). Invitae Evidence Modeling of protein sequence and biophysical properties (such as structural, functional, and spatial information, amino acid conservation, physicochemical variation, residue mobility, and thermodynamic stability) indicates that this missense variant is not expected to disrupt IRF7 protein function with a negative predictive value of 80%. In summary, the available evidence is currently insufficient to determine the role of this variant in disease. Therefore, it has been classified as a Variant of Uncertain Significance.

Ambry Genetics
Classification: Uncertain significance. Last evaluated: 2025-10-02. Review status: criteria provided, single submitter. Criteria: Ambry Variant Classification Scheme 2023. Collection method: clinical testing. Allele origin: germline.